The following is an entry in ClinVar:

ClinVar aggregate classification (germline): Likely benign (1 of 4 stars; one submission).

Allele frequency attached by ClinVar (database versions not stated): ESP Exome Variant Server 0.00301; 1000 Genomes Project 30x 0.00453; 1000 Genomes Project 0.00459.
gnomAD v4.1: 924 of 1,602,058 alleles (0.058%); highest among the groups gnomAD compares: African/African-American, 1.1%; 5 homozygotes.

Submission:

GeneDx
Classification: Likely benign. Last evaluated: 2021-03-05. Review status: criteria provided, single submitter. Criteria: GeneDx Variant Classification Process June 2021. Collection method: clinical testing. Allele origin: germline. Affected: yes.
Comment: See Variant Classification Assertion Criteria.

NM_173551.5(ANKS6):c.1568-40G>T

Gene: ANKS6 (ankyrin repeat and sterile alpha motif domain containing 6; minus strand). Cytogenetic location: 9q22.33.
Variant type: single nucleotide variant.
Coding change: c.1568-40G>T on transcript NM_173551.5 (MANE Select); 40 bases into the intron before coding-DNA position 1568, G replaced by T.
Molecular consequence: intron variant.
Genome position (GRCh38, 1-based): chr9:98,777,494, C>A on the plus strand (G>T on the coding strand, the complement: ANKS6 is on the minus strand). VCF-style: chr9-98777494-C-A. GRCh37 (hg19) VCF-style: chr9-101539776-C-A.
Identifiers: ClinVar variation 1706707 (VCV001706707.2), dbSNP rs148960825, ClinGen allele CA5153440.